The following is an entry in ClinVar:

NM_021098.3(CACNA1H):c.2947G>A (p.Gly983Ser)

Gene: CACNA1H (calcium voltage-gated channel subunit alpha1 H; plus strand). Cytogenetic location: 16p13.3.
Variant type: single nucleotide variant.
Coding change: c.2947G>A on transcript NM_021098.3 (MANE Select); coding-DNA position 2947, G replaced by A.
Protein change: p.Gly983Ser; replaces glycine 983 with serine.
Molecular consequence: missense variant.
Genome position (GRCh38, 1-based): chr16:1,207,314, G>A. VCF-style: chr16-1207314-G-A. GRCh37 (hg19) VCF-style: chr16-1257314-G-A.
Other names: c.2947G>A, p.Gly983Ser (NM_001005407.2); short protein forms G983S.
Identifiers: ClinVar variation 1371044 (VCV001371044.8), dbSNP rs1968852331, ClinGen allele CA394170312.

ClinVar aggregate classification (germline): Uncertain significance (1 of 4 stars; one submission).

Conditions:
Idiopathic generalized epilepsy. Also called: EIG; Generalised epilepsy. Identifiers: MedGen C0270850, MONDO:0005579, OMIM 600669.
Hyperaldosteronism, familial, type IV (HALD4). Also called: FH IV; ALDOSTERONISM, PRIMARY, AND HYPERTENSION. Identifiers: Orphanet 642671, MedGen C4310756, MONDO:0014875, OMIM 617027.

Allele frequency attached by ClinVar (database versions not stated): gnomAD exomes 0.00001; gnomAD 0.00001.
gnomAD v4.1: 19 of 1,610,760 alleles (0.0012%); highest among the groups gnomAD compares: Non-Finnish European, 0.0014%; no homozygotes.

Submission:

Labcorp Genetics (formerly Invitae), Labcorp
Classification: Uncertain significance for Idiopathic generalized epilepsy; Hyperaldosteronism, familial, type IV. Last evaluated: 2025-12-22. Review status: criteria provided, single submitter. Criteria: Invitae Variant Classification Sherloc (09022015). Collection method: clinical testing. Allele origin: germline.
Comment: This sequence change replaces glycine, which is neutral and non-polar, with serine, which is neutral and polar, at codon 983 of the CACNA1H protein (p.Gly983Ser). This variant is not present in population databases (gnomAD no frequency). This missense change has been observed in individual(s) with myoclonic epilepsy (PMID: 17696120). ClinVar contains an entry for this variant (Variation ID: 1371044). Invitae Evidence Modeling of protein sequence and biophysical properties (such as structural, functional, and spatial information, amino acid conservation, physicochemical variation, residue mobility, and thermodynamic stability) indicates that this missense variant is expected to disrupt CACNA1H protein function with a positive predictive value of 80%. Experimental studies have shown that this missense change affects CACNA1H function (PMID: 17696120). In summary, the available evidence is currently insufficient to determine the role of this variant in disease. Therefore, it has been classified as a Variant of Uncertain Significance.

Literature cited by the submitters: PubMed 17696120.